The following is an entry in ClinVar:

NM_024580.6(EFL1):c.1327G>A (p.Glu443Lys)

Gene: EFL1 (elongation factor like GTPase 1; minus strand). Cytogenetic location: 15q25.2.
Variant type: single nucleotide variant.
Coding change: c.1327G>A on transcript NM_024580.6 (MANE Select); coding-DNA position 1327, G replaced by A.
Protein change: p.Glu443Lys; replaces glutamic acid 443 with lysine.
Molecular consequence: missense variant. On other transcripts: non-coding transcript variant (1).
Genome position (GRCh38, 1-based): chr15:82,220,195, C>T on the plus strand (G>A on the coding strand, the complement: EFL1 is on the minus strand). VCF-style: chr15-82220195-C-T. GRCh37 (hg19) VCF-style: chr15-82512536-C-T.
Other names: c.1174G>A, p.Glu392Lys (NM_001040610.3); c.538G>A, p.Glu180Lys (NM_001322844.2); c.1327G>A, p.Glu443Lys (NM_001322845.2); short protein forms E180K, E392K, E443K.
Identifiers: ClinVar variation 1721347 (VCV001721347.5), dbSNP rs2505474345, ClinGen allele CA393285003.

ClinVar aggregate classification (germline): Uncertain significance (1 of 4 stars; one submission).

Submission:

Labcorp Genetics (formerly Invitae), Labcorp
Classification: Uncertain significance. Last evaluated: 2022-10-09. Review status: criteria provided, single submitter. Criteria: Invitae Variant Classification Sherloc (09022015). Collection method: clinical testing. Allele origin: germline.
Comment: In summary, the available evidence is currently insufficient to determine the role of this variant in disease. Therefore, it has been classified as a Variant of Uncertain Significance. Advanced modeling of protein sequence and biophysical properties (such as structural, functional, and spatial information, amino acid conservation, physicochemical variation, residue mobility, and thermodynamic stability) performed at Invitae indicates that this missense variant is not expected to disrupt EFL1 protein function. This variant has not been reported in the literature in individuals affected with EFL1-related conditions. This variant is not present in population databases (gnomAD no frequency). This sequence change replaces glutamic acid, which is acidic and polar, with lysine, which is basic and polar, at codon 443 of the EFL1 protein (p.Glu443Lys).